The following is an entry in ClinVar:

NM_002448.3(MSX1):c.-7G>T

Genes: MSX1 (msh homeobox 1; plus strand), LOC129992137 (ATAC-STARR-seq lymphoblastoid silent region 15219; plus strand). Cytogenetic location: 4p16.2.
Variant type: single nucleotide variant.
Coding change: c.-7G>T on transcript NM_002448.3 (MANE Select); 7 bases upstream of the start codon, G replaced by T.
Molecular consequence: 5 prime UTR variant.
Genome position (GRCh38, 1-based): chr4:4,859,893, G>T. VCF-style: chr4-4859893-G-T. GRCh37 (hg19) VCF-style: chr4-4861620-G-T.
Identifiers: ClinVar variation 3050226 (VCV003050226.2), dbSNP rs530919363, ClinGen allele CA2832907.
Genomic context (GRCh38, chr4:4,859,893, plus strand): 5'-CAGCCCGCCCGGAGCCCATGCCCGGCGGCTGGCCAGTGCTGCGGCAGAAGGGGGGGCCCG[G>T]CTCTGCATGGCCCCGGCTGCTGACATGACTTCTTTGCCACTCGGTGTCAAAGTGGAGGAC-3'

ClinVar aggregate classification (germline): Likely benign (0 of 4 stars; one submission).

Conditions:
MSX1-related disorder. Also called: MSX1-related condition.

Allele frequency attached by ClinVar (database versions not stated): ExAC 0.00017; 1000 Genomes Project 0.00020; gnomAD 0.00024; TOPMed 0.00043; 1000 Genomes Project 30x 0.00125.

Submission:

PreventionGenetics, part of Exact Sciences
Classification: Likely benign for MSX1-related condition. Last evaluated: 2019-07-12. Review status: no assertion criteria provided. Collection method: clinical testing. Allele origin: germline.
Comment: This variant is classified as likely benign based on ACMG/AMP sequence variant interpretation guidelines (Richards et al. 2015 PMID: 25741868, with internal and published modifications).